The following is an entry in ClinVar:

ClinVar aggregate classification (germline): Uncertain significance. Review status: criteria provided, multiple submitters, no conflicts (2 of 4 stars). 2 submissions from 2 submitters: Uncertain significance (2). Last evaluated 2024-08-19.

Conditions:
Hereditary cancer-predisposing syndrome. Also called: Tumor predisposition; Neoplastic Syndromes, Hereditary; Hereditary Cancer Syndrome; Hereditary neoplastic syndrome. Identifiers: Orphanet 140162, MedGen C0027672, MeSH D009386, MONDO:0015356.

Submissions (2):

Ambry Genetics
Classification: Uncertain significance for Hereditary cancer-predisposing syndrome. Last evaluated: 2024-08-19. Review status: criteria provided, single submitter. Criteria: Ambry Variant Classification Scheme 2023. Collection method: clinical testing. Allele origin: germline.
Comment: The p.L726R variant (also known as c.2177T>G), located in coding exon 9 of the BRCA1 gene, results from a T to G substitution at nucleotide position 2177. The leucine at codon 726 is replaced by arginine, an amino acid with dissimilar properties. This amino acid position is conserved. In addition, the in silico prediction for this alteration is inconclusive. Based on the available evidence, the clinical significance of this variant remains unclear.

Quest Diagnostics Nichols Institute San Juan Capistrano
Classification: Uncertain significance. Last evaluated: 2023-11-07. Review status: criteria provided, single submitter. Criteria: Quest Diagnostics criteria. Collection method: clinical testing. Allele origin: unknown.
Comment: The BRCA1 c.2177T>G (p.Leu726Arg) variant has not been reported in individuals with BRCA1-related conditions in the published literature. It also has not been reported in large, multi-ethnic general populations (Genome Aggregation Database). Analysis of this variant using bioinformatics tools for the prediction of the effect of amino acid changes on protein structure and function yielded conflicting predictions that this variant is benign or damaging. Based on the available information, we are unable to determine the clinical significance of this variant.

NM_007294.4(BRCA1):c.2177T>G (p.Leu726Arg)

Gene: BRCA1 (BRCA1 DNA repair associated; minus strand). Cytogenetic location: 17q21.31.
Variant type: single nucleotide variant.
Coding change: c.2177T>G on transcript NM_007294.4 (MANE Select); coding-DNA position 2177, T replaced by G.
Protein change: p.Leu726Arg; replaces leucine 726 with arginine.
Molecular consequence: missense variant. On other transcripts: intron variant (137).
Genome position (GRCh38, 1-based): chr17:43,093,354, A>C on the plus strand (T>G on the coding strand, the complement: BRCA1 is on the minus strand). VCF-style: chr17-43093354-A-C. GRCh37 (hg19) VCF-style: chr17-41245371-A-C.
Other names: c.784+1390T>G (NM_001408401.1, NM_001408396.1, NM_001407985.1 and 13 more transcripts); c.2177T>G, p.Leu726Arg (NM_001407596.1, NM_001407597.1, NM_001407602.1 and 30 more transcripts); c.2174T>G, p.Leu725Arg (NM_001407610.1, NM_001407587.1, NM_001407590.1 and 22 more transcripts); c.664+1390T>G (NM_001408438.1, NM_001408444.1, NM_001408430.1 and 12 more transcripts); c.671-2322T>G (NM_001408420.1, NM_001408423.1, NM_001408419.1 and 2 more transcripts); c.787+1390T>G (NM_001408404.1, NM_001408472.1, NM_001407980.1 and 17 more transcripts); c.548-2322T>G (NM_001408494.1); c.1796T>G, p.Leu599Arg (NM_001407960.1, NM_001407963.1, NM_001407959.1); and 41 more; short protein forms L599R, L655R, L658R, L659R, L430R, L615R, L637R, L679R.
Identifiers: ClinVar variation 3481847 (VCV003481847.2).